The following is an entry in ClinVar:

NM_152419.3(HGSNAT):c.284A>C (p.Lys95Thr)

Gene: HGSNAT (heparan-alpha-glucosaminide N-acetyltransferase; plus strand). Cytogenetic location: 8p11.21.
Variant type: single nucleotide variant.
Coding change: c.284A>C on transcript NM_152419.3 (MANE Select); coding-DNA position 284, A replaced by C.
Protein change: p.Lys95Thr; replaces lysine 95 with threonine.
Molecular consequence: missense variant. On other transcripts: 5 prime UTR variant (1).
Genome position (GRCh38, 1-based): chr8:43,158,624, A>C. VCF-style: chr8-43158624-A-C. GRCh37 (hg19) VCF-style: chr8-43013767-A-C.
Other names: c.284A>C, p.Lys95Thr (NM_001363227.2, NM_001363228.2); c.-550A>C (NM_001363229.2); short protein forms K95T.
Identifiers: ClinVar variation 956542 (VCV000956542.5), dbSNP rs374071098, ClinGen allele CA4736471.

ClinVar aggregate classification (germline): Uncertain significance. Review status: criteria provided, multiple submitters, no conflicts (2 of 4 stars). 3 submissions from 3 submitters: Uncertain significance (2). 1 of the submissions does not count toward it. Last evaluated 2022-09-06.

Conditions:
Mucopolysaccharidosis, MPS-III-C (MPS3C). Also called: MPS IIIC (Sanfilippo Syndrome Type C); MUCOPOLYSACCHARIDOSIS, TYPE IIIC; Mucopolysaccharidosis type IIIC (Sanfilippo C); mucopolysaccharidosis type 3C; SANFILIPPO SYNDROME C; MPS III C. Identifiers: Orphanet 581, Orphanet 79271, MedGen C0086649, MONDO:0009657, OMIM 252930.
Retinitis pigmentosa 73 (RP73). Identifiers: Orphanet 791, MedGen C4225287, MONDO:0014687, OMIM 616544.

Allele frequency attached by ClinVar (database versions not stated): ESP Exome Variant Server 0.00008.
gnomAD v4.1: 7 of 1,613,868 alleles (0.00043%); highest among the groups gnomAD compares: African/African-American, 0.0093%; no homozygotes.

Submissions (3):

Labcorp Genetics (formerly Invitae), Labcorp
Classification: Uncertain significance for Retinitis pigmentosa 73; Mucopolysaccharidosis, MPS-III-C. Last evaluated: 2022-09-06. Review status: criteria provided, single submitter. Criteria: Invitae Variant Classification Sherloc (09022015). Collection method: clinical testing. Allele origin: germline.
Comment: This sequence change replaces lysine, which is basic and polar, with threonine, which is neutral and polar, at codon 95 of the HGSNAT protein (p.Lys95Thr). This variant is present in population databases (rs374071098, gnomAD 0.01%). This variant has not been reported in the literature in individuals affected with HGSNAT-related conditions. ClinVar contains an entry for this variant (Variation ID: 956542). Advanced modeling of protein sequence and biophysical properties (such as structural, functional, and spatial information, amino acid conservation, physicochemical variation, residue mobility, and thermodynamic stability) performed at Invitae indicates that this missense variant is not expected to disrupt HGSNAT protein function. In summary, the available evidence is currently insufficient to determine the role of this variant in disease. Therefore, it has been classified as a Variant of Uncertain Significance.

Blueprint Genetics
Classification: Uncertain significance. Last evaluated: 2022-04-08. Review status: criteria provided, single submitter. Criteria: ACMG Guidelines, 2015. Collection method: clinical testing. Allele origin: germline.

Natera, Inc.
Classification: Uncertain significance for Mucopolysaccharidosis type IIIC. Last evaluated: 2020-11-11. Review status: no assertion criteria provided. Collection method: clinical testing. Allele origin: germline. Not counted in ClinVar's aggregate classification.